The following is an entry in ClinVar:

ClinVar aggregate classification (germline): Likely benign. Review status: criteria provided, multiple submitters, no conflicts (2 of 4 stars). 2 submissions from 2 submitters: Likely benign (2). Last evaluated 2025-11-27.

Allele frequency attached by ClinVar (database versions not stated): ESP Exome Variant Server 0.00008; TOPMed 0.00008; gnomAD exomes 0.00010; ExAC 0.00011; gnomAD 0.00011.
gnomAD v4.1: 158 of 1,613,638 alleles (0.0098%); highest among the groups gnomAD compares: Non-Finnish European, 0.012%; no homozygotes.

Submissions (2):

Labcorp Genetics (formerly Invitae), Labcorp
Classification: Likely benign. Last evaluated: 2025-11-27. Review status: criteria provided, single submitter. Criteria: Invitae Variant Classification Sherloc (09022015). Collection method: clinical testing. Allele origin: germline.

CeGaT Center for Human Genetics Tuebingen
Classification: Likely benign. Last evaluated: 2024-11-01. Review status: criteria provided, single submitter. Criteria: CeGaT Center For Human Genetics Tuebingen Variant Classification Criteria Version 2. Collection method: clinical testing. Allele origin: germline. Affected: yes. Observed: 1 variant allele.
Comment: CELSR2: BP4, BP7

NM_001408.3(CELSR2):c.3007C>T (p.Leu1003=)

Genes: CELSR2 (cadherin EGF LAG seven-pass G-type receptor 2; plus strand), LOC110121283 (VISTA enhancer hs2216; plus strand). Cytogenetic location: 1p13.3.
Variant type: single nucleotide variant.
Coding change: c.3007C>T on transcript NM_001408.3 (MANE Select); coding-DNA position 3007, C replaced by T.
Protein change: p.Leu1003=; no amino-acid change (leucine 1003 retained).
Molecular consequence: synonymous variant.
Genome position (GRCh38, 1-based): chr1:109,253,086, C>T. VCF-style: chr1-109253086-C-T. GRCh37 (hg19) VCF-style: chr1-109795708-C-T.
Identifiers: ClinVar variation 1583590 (VCV001583590.30), dbSNP rs202079600, ClinGen allele CA986848.